The following is an entry in ClinVar:

ClinVar aggregate classification (germline): Uncertain significance (1 of 4 stars; one submission).

Submission:

Labcorp Genetics (formerly Invitae), Labcorp
Classification: Uncertain significance. Last evaluated: 2022-04-15. Review status: criteria provided, single submitter. Criteria: Invitae Variant Classification Sherloc (09022015). Collection method: clinical testing. Allele origin: germline.
Comment: Algorithms developed to predict the effect of missense changes on protein structure and function output the following: SIFT: "Tolerated"; PolyPhen-2: "Benign"; Align-GVGD: "Class C0". The aspartic acid amino acid residue is found in multiple mammalian species, which suggests that this missense change does not adversely affect protein function. This variant has not been reported in the literature in individuals affected with PCARE-related conditions. This variant is not present in population databases (gnomAD no frequency). This sequence change replaces alanine, which is neutral and non-polar, with aspartic acid, which is acidic and polar, at codon 717 of the PCARE protein (p.Ala717Asp). In summary, the available evidence is currently insufficient to determine the role of this variant in disease. Therefore, it has been classified as a Variant of Uncertain Significance.

NM_001029883.3(PCARE):c.2150C>A (p.Ala717Asp)

Gene: PCARE (photoreceptor cilium actin regulator; minus strand). Cytogenetic location: 2p23.2.
Variant type: single nucleotide variant.
Coding change: c.2150C>A on transcript NM_001029883.3 (MANE Select); coding-DNA position 2150, C replaced by A.
Protein change: p.Ala717Asp; replaces alanine 717 with aspartic acid.
Molecular consequence: missense variant.
Genome position (GRCh38, 1-based): chr2:29,072,112, G>T on the plus strand (C>A on the coding strand, the complement: PCARE is on the minus strand). VCF-style: chr2-29072112-G-T. GRCh37 (hg19) VCF-style: chr2-29294978-G-T.
Other names: short protein forms A717D.
Identifiers: ClinVar variation 2126331 (VCV002126331.4), dbSNP rs1667500830, ClinGen allele CA346478132.
Genomic context (GRCh38, chr2:29,072,112, plus strand): 5'-GTTTCAATAAGCTTCTTGACGGATGTTCTGGTGGGACAGCCTCTGACATTCCAGTCTGTG[G>T]CCTTGGCAGCCTCACTGACCTCTCCTGATGGGATGGCATTTGGAAGCTTCCCAGCTTTGC-3'
Protein context (NP_001025054.1, residues 707-727): PSGEVSEAAK[Ala717Asp]TDWNVRGCPT